The following is an entry in ClinVar:

ClinVar aggregate classification (germline): Uncertain significance (1 of 4 stars; one submission).

Allele frequency attached by ClinVar (database versions not stated): TOPMed below 0.00001.

Submission:

GeneDx
Classification: Uncertain significance. Last evaluated: 2019-06-27. Review status: criteria provided, single submitter. Criteria: GeneDx Variant Classification Process June 2021. Collection method: clinical testing. Allele origin: germline. Affected: yes.
Comment: Not observed in large population cohorts (Lek et al., 2016); In silico analysis, which includes protein predictors and evolutionary conservation, supports a deleterious effect; Has not been previously published as pathogenic or benign to our knowledge; Variants in candidate genes are classified as variants of uncertain significance in accordance with ACMG guidelines (Richards et al., 2015)

NM_002662.5(PLD1):c.1981G>C (p.Asp661His)

Gene: PLD1 (phospholipase D1; minus strand). Cytogenetic location: 3q26.31.
Variant type: single nucleotide variant.
Coding change: c.1981G>C on transcript NM_002662.5 (MANE Select); coding-DNA position 1981, G replaced by C.
Protein change: p.Asp661His; replaces aspartic acid 661 with histidine.
Molecular consequence: missense variant.
Genome position (GRCh38, 1-based): chr3:171,677,581, C>G on the plus strand (G>C on the coding strand, the complement: PLD1 is on the minus strand). VCF-style: chr3-171677581-C-G. GRCh37 (hg19) VCF-style: chr3-171395371-C-G.
Other names: c.1867G>C, p.Asp623His (NM_001130081.3); short protein forms D623H, D661H.
Identifiers: ClinVar variation 1306848 (VCV001306848.2), dbSNP rs1713515796, ClinGen allele CA355496749.
Genomic context (GRCh38, chr3:171,677,581, plus strand): 5'-GTAAAAGACAAAATATAACCAGCACCCCACCATTATGATACTCACCAGCAAAAGGTTTAT[C>G]AAGTTGAACCCAGTCTTTGAAGACGAAATTGCAGTAGTCCTTTCCATGCCAGAATCTGGT-3'
Protein context (NP_002653.1, residues 651-671): NFVFKDWVQL[Asp661His]KPFADFIDRY